The following is an entry in ClinVar:

NM_023110.3(FGFR1):c.*1087G>A

Genes: FGFR1 (fibroblast growth factor receptor 1; minus strand), LOC102723716 (uncharacterized LOC102723716; minus strand). Cytogenetic location: 8p11.23.
Variant type: single nucleotide variant.
Coding change: c.*1087G>A on transcript NM_023110.3 (MANE Select); 1087 bases downstream of the stop codon, G replaced by A.
Molecular consequence: 3 prime UTR variant. On other transcripts: non-coding transcript variant (1), missense variant (3).
Genome position (GRCh38, 1-based): chr8:38,412,541, C>T on the plus strand (G>A on the coding strand, the complement: FGFR1 is on the minus strand). VCF-style: chr8-38412541-C-T. GRCh37 (hg19) VCF-style: chr8-38270059-C-T.
Other names: c.*1087G>A (NM_001174063.2, NM_001174064.2, NM_001174065.2 and 7 more transcripts); c.2341G>A, p.Val781Ile (NM_001354367.2); c.2335G>A, p.Val779Ile (NM_001354369.2); c.2074G>A, p.Val692Ile (NM_001354370.2); short protein forms V779I, V692I, V781I.
Identifiers: ClinVar variation 4981512 (VCV004981512.1).

ClinVar aggregate classification (germline): Uncertain significance (1 of 4 stars; one submission).

Conditions:
FGFR1-related disorder. Also called: FGFR1-related disorders; FGFR1-related condition. Identifiers: MedGen CN380097.

Submission:

PreventionGenetics, part of Exact Sciences
Classification: Uncertain significance for FGFR1-related condition. Last evaluated: 2026-05-18. Review status: criteria provided, single submitter. Criteria: ACMG Guidelines, 2015. Collection method: clinical testing. Allele origin: germline.
Comment: The FGFR1 c.*1087G>A variant is located in the 3' untranslated region. On an alternative transcript (NM_001354370), this variant is referred to as c.2074G>A (p.Val692Ile), however it is unclear if this transcript has any biological relevance. To our knowledge, this variant has not been reported in the literature or in a large population database (gnomAD), indicating this variant is rare. At this time, the clinical significance of this variant is uncertain due to the absence of conclusive functional and genetic evidence.